The following is an entry in ClinVar:

NM_000016.6(ACADM):c.1001G>A (p.Arg334Lys)

Gene: ACADM (acyl-CoA dehydrogenase medium chain; plus strand). Cytogenetic location: 1p31.1.
Variant type: single nucleotide variant.
Coding change: c.1001G>A on transcript NM_000016.6 (MANE Select); coding-DNA position 1001, G replaced by A.
Protein change: p.Arg334Lys; replaces arginine 334 with lysine.
Molecular consequence: missense variant.
Genome position (GRCh38, 1-based): chr1:75,761,177, G>A. VCF-style: chr1-75761177-G-A. GRCh37 (hg19) VCF-style: chr1-76226862-G-A.
Other names: c.1013G>A, p.Arg338Lys (NM_001127328.3); c.893G>A, p.Arg298Lys (NM_001286042.2); c.1100G>A, p.Arg367Lys (NM_001286043.2); c.434G>A, p.Arg145Lys (NM_001286044.2); short protein forms R334K, R338K, R367K, R145K, R298K.
Identifiers: ClinVar variation 5003354 (VCV005003354.1).

ClinVar aggregate classification (germline): Uncertain significance (1 of 4 stars; one submission).

Conditions:
Medium-chain acyl-coenzyme A dehydrogenase deficiency (ACADMD). Also called: MCAD Deficiency; MCADD; CARNITINE DEFICIENCY SECONDARY TO MEDIUM-CHAIN ACYL-CoA DEHYDROGENASE DEFICIENCY; ACADM DEFICIENCY; MCADH DEFICIENCY; Medium chain acyl-CoA dehydrogenase deficiency. Identifiers: Orphanet 42, MedGen C0220710, MONDO:0008721, OMIM 201450.

Submission:

Myriad Genetics, Inc.
Classification: Uncertain significance for Medium-chain acyl-coenzyme A dehydrogenase deficiency. Last evaluated: 2025-12-29. Review status: criteria provided, single submitter. Criteria: Myriad Autosomal Dominant, Autosomal Recessive and X-Linked Classification Criteria (2023). Collection method: clinical testing. Allele origin: unknown.
Comment: NM_000016.4(ACADM):c.1001G>A(R334K) is a missense variant classified as a variant of uncertain significance in the context of medium-chain acyl-CoA dehydrogenase deficiency. R334K has been observed in a case with relevant disease (PMID: 15832312). Relevant functional assessments of this variant are available in the literature (PMID: 24718418). R334K has been observed in referenced population frequency databases. In summary, there is insufficient evidence to classify NM_000016.4(ACADM):c.1001G>A(R334K) as pathogenic or benign. Please note: this variant was assessed in the context of healthy population screening.

Literature cited by the submitters: PubMed 15832312; PubMed 24718418.